The following is an entry in ClinVar:

ClinVar aggregate classification (germline): Benign/Likely benign. Review status: criteria provided, multiple submitters, no conflicts (2 of 4 stars). 4 submissions from 4 submitters: Benign (1); Likely benign (3). Last evaluated 2025-07-27.

Conditions:
Lynch syndrome 5 (LYNCH5). Also called: Hereditary non-polyposis colorectal cancer, type 5; Colorectal cancer, hereditary nonpolyposis, type 5. Identifiers: Orphanet 144, MedGen C1833477, MONDO:0013710, OMIM 614350. Disease mechanism: loss of function.
Hereditary nonpolyposis colorectal neoplasms. Identifiers: MedGen C0009405, MeSH D003123.
Hereditary cancer-predisposing syndrome. Also called: Tumor predisposition; Hereditary neoplastic syndrome; Hereditary Cancer Syndrome; Neoplastic Syndromes, Hereditary. Identifiers: Orphanet 140162, MedGen C0027672, MeSH D009386, MONDO:0015356.

Allele frequency attached by ClinVar (database versions not stated): gnomAD exomes below 0.00001; ExAC 0.00001; gnomAD 0.00001.
gnomAD v4.1: 5 of 1,613,978 alleles (0.00031%); highest among the groups gnomAD compares: Non-Finnish European, 0.000085%; no homozygotes.

Submissions (4):

Labcorp Genetics (formerly Invitae), Labcorp
Classification: Likely benign for Hereditary nonpolyposis colorectal neoplasms. Last evaluated: 2025-07-27. Review status: criteria provided, single submitter. Criteria: Invitae Variant Classification Sherloc (09022015). Collection method: clinical testing. Allele origin: germline.

Myriad Genetics, Inc.
Classification: Benign for Lynch syndrome 5. Last evaluated: 2025-01-07. Review status: criteria provided, single submitter. Criteria: Myriad Autosomal Dominant, Autosomal Recessive and X-Linked Classification Criteria (2023). Collection method: clinical testing. Allele origin: unknown.
Comment: This variant is considered benign. This variant is a silent/synonymous amino acid change and it is not expected to impact splicing.

Ambry Genetics
Classification: Likely benign for Hereditary cancer-predisposing syndrome. Last evaluated: 2021-09-11. Review status: criteria provided, single submitter. Criteria: Ambry Variant Classification Scheme 2023. Collection method: clinical testing. Allele origin: germline.

Color Diagnostics, LLC DBA Color Health
Classification: Likely benign for Hereditary cancer-predisposing syndrome. Last evaluated: 2020-08-25. Review status: criteria provided, single submitter. Criteria: ACMG Guidelines, 2015. Collection method: clinical testing. Allele origin: germline.

NM_000179.3(MSH6):c.3522T>C (p.Phe1174=)

Gene: MSH6 (mutS homolog 6; plus strand). Cytogenetic location: 2p16.3.
Variant type: single nucleotide variant.
Coding change: c.3522T>C on transcript NM_000179.3 (MANE Select); coding-DNA position 3522, T replaced by C.
Protein change: p.Phe1174=; no amino-acid change (phenylalanine 1174 retained).
Molecular consequence: synonymous variant.
Genome position (GRCh38, 1-based): chr2:47,804,993, T>C. VCF-style: chr2-47804993-T-C. GRCh37 (hg19) VCF-style: chr2-48032132-T-C.
Other names: c.3132T>C, p.Phe1044= (NM_001281492.2); c.2616T>C, p.Phe872= (NM_001281493.2, NM_001281494.2).
Identifiers: ClinVar variation 1171929 (VCV001171929.8), dbSNP rs768759155, ClinGen allele CA071109.